The following is an entry in ClinVar:

ClinVar aggregate classification (germline): Uncertain significance (1 of 4 stars; one submission).

Allele frequency attached by ClinVar (database versions not stated): gnomAD 0.00003; TOPMed 0.00003; gnomAD exomes 0.00004 and 0.00002; ExAC 0.00003.
gnomAD v4.1: 59 of 1,613,576 alleles (0.0037%); highest among the groups gnomAD compares: Non-Finnish European, 0.0045%; no homozygotes.

Submission:

Labcorp Genetics (formerly Invitae), Labcorp
Classification: Uncertain significance. Last evaluated: 2025-04-09. Review status: criteria provided, single submitter. Criteria: Invitae Variant Classification Sherloc (09022015). Collection method: clinical testing. Allele origin: germline.
Comment: This sequence change replaces valine, which is neutral and non-polar, with methionine, which is neutral and non-polar, at codon 768 of the TCIRG1 protein (p.Val768Met). This variant is present in population databases (rs749982899, gnomAD 0.01%). This variant has not been reported in the literature in individuals affected with TCIRG1-related conditions. ClinVar contains an entry for this variant (Variation ID: 1408572). An algorithm developed to predict the effect of missense changes on protein structure and function outputs the following: PolyPhen-2: "Benign". The methionine amino acid residue is found in multiple mammalian species, which suggests that this missense change does not adversely affect protein function. In summary, the available evidence is currently insufficient to determine the role of this variant in disease. Therefore, it has been classified as a Variant of Uncertain Significance.

NM_006019.4(TCIRG1):c.2302G>A (p.Val768Met)

Gene: TCIRG1 (T cell immune regulator 1, ATPase H+ transporting V0 subunit a3; plus strand). Cytogenetic location: 11q13.2.
Variant type: single nucleotide variant.
Coding change: c.2302G>A on transcript NM_006019.4 (MANE Select); coding-DNA position 2302, G replaced by A.
Protein change: p.Val768Met; replaces valine 768 with methionine.
Molecular consequence: missense variant.
Genome position (GRCh38, 1-based): chr11:68,050,552, G>A. VCF-style: chr11-68050552-G-A. GRCh37 (hg19) VCF-style: chr11-67818019-G-A.
Other names: c.1408G>A, p.Val470Met (NM_001351059.2); c.1654G>A, p.Val552Met (NM_006053.4); short protein forms V470M, V768M, V552M.
Identifiers: ClinVar variation 1408572 (VCV001408572.4), dbSNP rs749982899, ClinGen allele CA6147492.